The following is an entry in ClinVar:

ClinVar aggregate classification (germline): Pathogenic. Review status: criteria provided, multiple submitters, no conflicts (2 of 4 stars). 4 submissions from 4 submitters: Pathogenic (3). 1 of the submissions does not count toward it. Last evaluated 2026-09-17.

Conditions:
Intellectual disability, autosomal recessive 42 (NEDDSBA). Also called: Neurodevelopmental disorder with dysmorphic features, spasticity, and brain abnormalities; GLYCOSYLPHOSPHATIDYLINOSITOL BIOSYNTHESIS DEFECT 9. Identifiers: Orphanet 88616, MedGen C4014343, MONDO:0014348, OMIM 615802.

Allele frequency attached by ClinVar (database versions not stated): gnomAD exomes below 0.00001 and 0.00002; gnomAD 0.00001; TOPMed 0.00002; ExAC 0.00003; ESP Exome Variant Server 0.00015.

Submissions (4):

GeneDx
Classification: Pathogenic. Last evaluated: 2026-09-17. Review status: criteria provided, single submitter. Criteria: GeneDx Variant Classification Process June 2021. Collection method: clinical testing. Allele origin: germline.
Comment: Nonsense variant predicted to result in protein truncation or nonsense mediated decay in a gene for which loss of function is a known mechanism of disease; Not observed at significant frequency in large population cohorts (gnomAD); This variant is associated with the following publications: (PMID: 27206732, 26563290, 33198937, 37853563, 40785186, 25823418)

Labcorp Genetics (formerly Invitae), Labcorp
Classification: Pathogenic for Intellectual disability, autosomal recessive 42. Last evaluated: 2023-05-26. Review status: criteria provided, single submitter. Criteria: Invitae Variant Classification Sherloc (09022015). Collection method: clinical testing. Allele origin: germline.
Comment: This variant is present in population databases (rs143038880, gnomAD 0.003%). This premature translational stop signal has been observed in individual(s) with clinical features of autosomal recessive PGAP1-related condition (PMID: 25823418). For these reasons, this variant has been classified as Pathogenic. ClinVar contains an entry for this variant (Variation ID: 222978). This sequence change creates a premature translational stop signal (p.Gln466*) in the PGAP1 gene. It is expected to result in an absent or disrupted protein product. Loss-of-function variants in PGAP1 are known to be pathogenic (PMID: 17711852, 26050939, 27848944).

Duke University Health System Sequencing Clinic, Duke University Health System
Classification: Pathogenic for Intellectual disability, autosomal recessive 42. Last evaluated: 2023-04-20. Review status: criteria provided, single submitter. Criteria: ACMG Guidelines, 2015. Collection method: research. Allele origin: maternal. Affected: yes.

OMIM
Classification: Pathogenic for NEURODEVELOPMENTAL DISORDER WITH DYSMORPHIC FEATURES, SPASTICITY, AND BRAIN ABNORMALITIES. Last evaluated: 2021-05-24. Review status: no assertion criteria provided. Collection method: literature only. Allele origin: germline. Not counted in ClinVar's aggregate classification.

Literature cited by the submitters: PubMed 25823418 (cited by 3 submitters); PubMed 17711852 (cited by Labcorp Genetics (formerly Invitae), Labcorp); PubMed 26050939 (cited by Labcorp Genetics (formerly Invitae), Labcorp); PubMed 27848944 (cited by Labcorp Genetics (formerly Invitae), Labcorp).

NM_024989.4(PGAP1):c.1396C>T (p.Gln466Ter)

Gene: PGAP1 (post-GPI attachment to proteins inositol deacylase 1; minus strand). Cytogenetic location: 2q33.1.
Variant type: single nucleotide variant.
Coding change: c.1396C>T on transcript NM_024989.4 (MANE Select); coding-DNA position 1396, C replaced by T.
Protein change: p.Gln466Ter; replaces glutamine 466 with a stop codon.
Molecular consequence: nonsense.
Genome position (GRCh38, 1-based): chr2:196,875,776, G>A on the plus strand (C>T on the coding strand, the complement: PGAP1 is on the minus strand). VCF-style: chr2-196875776-G-A. GRCh37 (hg19) VCF-style: chr2-197740500-G-A.
Other names: c.874C>T, p.Gln292Ter (NM_001321099.2); c.229C>T, p.Gln77Ter (NM_001321100.2); short protein forms Q466*, Q292*, Q77*.
Identifiers: ClinVar variation 222978 (VCV000222978.10), dbSNP rs143038880, ClinGen allele CA083300.